The following is an entry in ClinVar:

ClinVar aggregate classification (germline): Uncertain significance (1 of 4 stars; one submission).

Conditions:
Hepatic veno-occlusive disease-immunodeficiency syndrome. Also called: Hepatic Veno-Occlusive Disease with Immunodeficiency. Identifiers: Orphanet 79124, MedGen C1856128, MONDO:0009338, OMIM 235550. Disease mechanism: loss of function.

Allele frequency attached by ClinVar (database versions not stated): gnomAD exomes 0.00001 and 0.00002; ExAC 0.00002.
gnomAD v4.1: 11 of 1,614,096 alleles (0.00068%); highest among the groups gnomAD compares: South Asian, 0.0011%; no homozygotes.

Submission:

Labcorp Genetics (formerly Invitae), Labcorp
Classification: Uncertain significance for Hepatic veno-occlusive disease-immunodeficiency syndrome. Last evaluated: 2024-10-22. Review status: criteria provided, single submitter. Criteria: Invitae Variant Classification Sherloc (09022015). Collection method: clinical testing. Allele origin: germline.
Comment: This sequence change replaces arginine, which is basic and polar, with glutamine, which is neutral and polar, at codon 516 of the SP110 protein (p.Arg516Gln). This variant is present in population databases (rs763875680, gnomAD 0.003%). This variant has not been reported in the literature in individuals affected with SP110-related conditions. ClinVar contains an entry for this variant (Variation ID: 647053). An algorithm developed to predict the effect of missense changes on protein structure and function outputs the following: PolyPhen-2: "Benign". The glutamine amino acid residue is found in multiple mammalian species, which suggests that this missense change does not adversely affect protein function. In summary, the available evidence is currently insufficient to determine the role of this variant in disease. Therefore, it has been classified as a Variant of Uncertain Significance.

NM_080424.4(SP110):c.1547G>A (p.Arg516Gln)

Gene: SP110 (SP110 nuclear body protein; minus strand). Cytogenetic location: 2q37.1.
Variant type: single nucleotide variant.
Coding change: c.1547G>A on transcript NM_080424.4 (MANE Select); coding-DNA position 1547, G replaced by A.
Protein change: p.Arg516Gln; replaces arginine 516 with glutamine.
Molecular consequence: missense variant.
Genome position (GRCh38, 1-based): chr2:230,177,581, C>T on the plus strand (G>A on the coding strand, the complement: SP110 is on the minus strand). VCF-style: chr2-230177581-C-T. GRCh37 (hg19) VCF-style: chr2-231042297-C-T.
Other names: c.1565G>A, p.Arg522Gln (NM_001185015.2, NM_001378442.1, NM_001378444.1 and 2 more transcripts); c.1547G>A, p.Arg516Gln (NM_001378443.1, NM_004509.5, NM_004510.4); c.1397G>A, p.Arg466Gln (NM_001378447.1); short protein forms R516Q, R522Q, R466Q.
Identifiers: ClinVar variation 647053 (VCV000647053.8), dbSNP rs763875680, ClinGen allele CA2154469.